The following is an entry in ClinVar:

NM_001035.3(RYR2):c.6829T>C (p.Cys2277Arg)

Gene: RYR2 (ryanodine receptor 2; plus strand). Cytogenetic location: 1q43.
Variant type: single nucleotide variant.
Coding change: c.6829T>C on transcript NM_001035.3 (MANE Select); coding-DNA position 6829, T replaced by C.
Protein change: p.Cys2277Arg; replaces cysteine 2277 with arginine.
Molecular consequence: missense variant.
Genome position (GRCh38, 1-based): chr1:237,638,393, T>C. VCF-style: chr1-237638393-T-C. GRCh37 (hg19) VCF-style: chr1-237801693-T-C.
Other names: c.6829T>C, p.Cys2277Arg (LRG_402t1); short protein forms C2277R.
Identifiers: ClinVar variation 197513 (VCV000197513.7), dbSNP rs794727676, ClinGen allele CA010338.

ClinVar aggregate classification (germline): Conflicting classifications of pathogenicity. Review status: criteria provided, conflicting classifications (1 of 4 stars). 2 submissions from 2 submitters: Likely pathogenic (1); Uncertain significance (1). Last evaluated 2016-07-28.

Submissions (2):

GeneDx
Classification: Likely pathogenic. Last evaluated: 2016-07-28. Review status: criteria provided, single submitter. Criteria: GeneDx Variant Classification (06012015). Collection method: clinical testing. Allele origin: germline. Affected: yes.
Comment: The C2277R variant in the RYR2 gene has been reported previously in this family, where it was found to co-segregate with a CPVT phenotype in 7 of 8 heterozygous carriers; this family also had a history of sudden cardiac death in multiple individuals (Domingo et al., 2015). The C2277R variant was not observed in approximately 6,100 individuals of European and African American ancestry in the NHLBI Exome Sequencing Project, indicating it is not a common benign variant in these populations. The C2277R variant is a non-conservative amino acid substitution, which is likely to impact secondary protein structure as these residues differ in polarity, charge, size and/or other properties. This substitution occurs at a position that is conserved across species. In silico analysis predicts this variant is probably damaging to the protein structure/function. Therefore, we interpret C2277R as a strong candidate for a pathogenic variant.

Eurofins Ntd Llc (ga)
Classification: Uncertain significance. Last evaluated: 2014-09-09. Review status: criteria provided, single submitter. Criteria: EGL Classification Definitions 2015. Collection method: clinical testing. Allele origin: germline. Observed: 1 variant allele, 1 heterozygote.